The following is an entry in ClinVar:

ClinVar aggregate classification (germline): Likely benign. Review status: criteria provided, multiple submitters, no conflicts (2 of 4 stars). 2 submissions from 2 submitters: Likely benign (2). Last evaluated 2026-08-07.

Conditions:
KIF12-related disorder. Also called: KIF12-related condition.

Allele frequency attached by ClinVar (database versions not stated): gnomAD 0.00017; gnomAD exomes 0.00019; ExAC 0.00047; 1000 Genomes Project 0.00100; 1000 Genomes Project 30x 0.00109.
gnomAD v4.1: 316 of 1,612,670 alleles (0.02%); highest among the groups gnomAD compares: South Asian, 0.26%; no homozygotes.

Submissions (2):

PreventionGenetics, part of Exact Sciences
Classification: Likely benign for KIF12-related condition. Last evaluated: 2026-08-07. Review status: criteria provided, single submitter. Criteria: ACMG Guidelines, 2015. Collection method: clinical testing. Allele origin: germline.
Comment: This variant is classified as likely benign based on ACMG/AMP sequence variant interpretation guidelines (Richards et al. 2015 PMID: 25741868, with internal and published modifications).

Labcorp Genetics (formerly Invitae), Labcorp
Classification: Likely benign. Last evaluated: 2023-10-17. Review status: criteria provided, single submitter. Criteria: Invitae Variant Classification Sherloc (09022015). Collection method: clinical testing. Allele origin: germline.

NM_001388308.1(KIF12):c.731G>A (p.Arg244His)

Gene: KIF12 (kinesin family member 12; minus strand). Cytogenetic location: 9q32.
Variant type: single nucleotide variant.
Coding change: c.731G>A on transcript NM_001388308.1 (MANE Select); coding-DNA position 731, G replaced by A.
Protein change: p.Arg244His; replaces arginine 244 with histidine.
Molecular consequence: missense variant.
Genome position (GRCh38, 1-based): chr9:114,096,394, C>T on the plus strand (G>A on the coding strand, the complement: KIF12 is on the minus strand). VCF-style: chr9-114096394-C-T. GRCh37 (hg19) VCF-style: chr9-116858674-C-T.
Other names: c.317G>A (NM_138424.1); c.317G>A, p.Arg106His (NM_138424.2); short protein forms R106H, R244H.
Identifiers: ClinVar variation 2712700 (VCV002712700.4), dbSNP rs564040906, ClinGen allele CA5200781.